The following is an entry in ClinVar:

ClinVar aggregate classification (germline): Uncertain significance. Review status: criteria provided, single submitter (1 of 4 stars). 2 submissions from 2 submitters: Uncertain significance (1). 1 of the submissions does not count toward it. Last evaluated 2026-06-03.

Conditions:
GARS1-related disorder. Also called: GARS1-related condition.
Charcot-Marie-Tooth disease. Also called: Charcot-Marie-Tooth Hereditary Neuropathy; Charcot-Marie-Tooth Neuropathy. Identifiers: Orphanet 166, MedGen C0007959, MONDO:0015626.

Allele frequency attached by ClinVar (database versions not stated): gnomAD exomes 0.00001.
gnomAD v4.1: 10 of 1,578,990 alleles (0.00063%); highest among the groups gnomAD compares: Non-Finnish European, 0.00085%; no homozygotes.

Submissions (2):

PreventionGenetics, part of Exact Sciences
Classification: Uncertain significance for GARS1-related condition. Last evaluated: 2026-06-03. Review status: criteria provided, single submitter. Criteria: ACMG Guidelines, 2015. Collection method: clinical testing. Allele origin: germline.
Comment: The GARS1 c.95T>C variant is predicted to result in the amino acid substitution p.Leu32Pro. To our knowledge, this variant has not been reported in the literature. This variant is reported in 0.0012% of alleles in individuals of European (non-Finnish) descent in gnomAD. At this time, the clinical significance of this variant is uncertain due to the absence of conclusive functional and genetic evidence.

Dept. of Medical Genetics, Telemark Hospital Trust, Telemark Hospital Trust
Classification: Benign for Charcot-Marie-Tooth disease. Last evaluated: 2014-10-01. Review status: no assertion criteria provided. Collection method: research. Allele origin: inherited. Affected: yes. Study: Charcot-Marie-Tooth disease study. Not counted in ClinVar's aggregate classification.
Comment: Present in only four out of five affected family members, seen in one unaffected family member.

Populational based study of Charcot-Marie-Tooth disease in Norway

Literature cited by the submitters: PubMed 26517670 (cited by Dept. of Medical Genetics, Telemark Hospital Trust, Telemark Hospital Trust); PMC 4306395 (cited by Dept. of Medical Genetics, Telemark Hospital Trust, Telemark Hospital Trust).

NM_002047.4(GARS1):c.95T>C (p.Leu32Pro)

Gene: GARS1 (glycyl-tRNA synthetase 1; plus strand). Cytogenetic location: 7p14.3.
Variant type: single nucleotide variant.
Coding change: c.95T>C on transcript NM_002047.4 (MANE Select); coding-DNA position 95, T replaced by C.
Protein change: p.Leu32Pro; replaces leucine 32 with proline.
Molecular consequence: missense variant. On other transcripts: 5 prime UTR variant (1).
Genome position (GRCh38, 1-based): chr7:30,595,016, T>C. VCF-style: chr7-30595016-T-C. GRCh37 (hg19) VCF-style: chr7-30634632-T-C.
Other names: c.-68T>C (NM_001316772.1); c.95T>C (LRG_243t1, NM_002047.3); short protein forms L32P.
Identifiers: ClinVar variation 217861 (VCV000217861.3), dbSNP rs863223328, ClinGen allele CA279628.